The following is an entry in ClinVar:

ClinVar aggregate classification (germline): Uncertain significance (1 of 4 stars; one submission).

Allele frequency attached by ClinVar (database versions not stated): gnomAD exomes below 0.00001.
gnomAD v4.1: 2 of 1,210,705 alleles (0.00017%); highest among the groups gnomAD compares: Non-Finnish European, 0.00011%; no homozygotes.

Submission:

Labcorp Genetics (formerly Invitae), Labcorp
Classification: Uncertain significance. Last evaluated: 2022-05-17. Review status: criteria provided, single submitter. Criteria: Invitae Variant Classification Sherloc (09022015). Collection method: clinical testing. Allele origin: germline.
Comment: In summary, the available evidence is currently insufficient to determine the role of this variant in disease. Therefore, it has been classified as a Variant of Uncertain Significance. Algorithms developed to predict the effect of missense changes on protein structure and function are either unavailable or do not agree on the potential impact of this missense change (SIFT: "Deleterious"; PolyPhen-2: "Probably Damaging"; Align-GVGD: "Class C0"). This variant has not been reported in the literature in individuals affected with CACNA1F-related conditions. This variant is not present in population databases (gnomAD no frequency). This sequence change replaces asparagine, which is neutral and polar, with serine, which is neutral and polar, at codon 760 of the CACNA1F protein (p.Asn760Ser).

NM_001256789.3(CACNA1F):c.2246A>G (p.Asn749Ser)

Gene: CACNA1F (calcium voltage-gated channel subunit alpha1 F; minus strand). Cytogenetic location: Xp11.23.
Variant type: single nucleotide variant.
Coding change: c.2246A>G on transcript NM_001256789.3 (MANE Select); coding-DNA position 2246, A replaced by G.
Protein change: p.Asn749Ser; replaces asparagine 749 with serine.
Molecular consequence: missense variant.
Genome position (GRCh38, 1-based): chrX:49,222,564, T>C on the plus strand (A>G on the coding strand, the complement: CACNA1F is on the minus strand). VCF-style: chrX-49222564-T-C. GRCh37 (hg19) VCF-style: chrX-49079023-T-C.
Other names: c.2084A>G, p.Asn695Ser (NM_001256790.3); c.2279A>G, p.Asn760Ser (NM_005183.4); short protein forms N695S, N749S, N760S.
Identifiers: ClinVar variation 1900486 (VCV001900486.5), dbSNP rs2520960893, ClinGen allele CA412909610.